The following is an entry in ClinVar:

NM_182914.3(SYNE2):c.1346A>T (p.Asn449Ile)

Gene: SYNE2 (spectrin repeat containing nuclear envelope protein 2; plus strand). Cytogenetic location: 14q23.2.
Variant type: single nucleotide variant.
Coding change: c.1346A>T on transcript NM_182914.3 (MANE Select); coding-DNA position 1346, A replaced by T.
Protein change: p.Asn449Ile; replaces asparagine 449 with isoleucine.
Molecular consequence: missense variant.
Genome position (GRCh38, 1-based): chr14:63,977,957, A>T. VCF-style: chr14-63977957-A-T. GRCh37 (hg19) VCF-style: chr14-64444675-A-T.
Other names: c.1346A>T, p.Asn449Ile (NM_015180.6); short protein forms N449I.
Identifiers: ClinVar variation 2573349 (VCV002573349.1), dbSNP rs754431108, ClinGen allele CA7219414.
Genomic context (GRCh38, chr14:63,977,957, plus strand): 5'-CTTTTCAGAGCCTGATGGATAGATTTGAGCATCATTCGAACATTCTCCTTACCTTTGAAA[A>T]TAAGGATGAAAATCACTTGCCATTGGTACCACCTAACAAATTGGAGGAAATGAAAAGACG-3'
Protein context (NP_878918.2, residues 439-459): HHSNILLTFE[Asn449Ile]KDENHLPLVP

ClinVar aggregate classification (germline): Uncertain significance (1 of 4 stars; one submission).

Allele frequency attached by ClinVar (database versions not stated): ExAC 0.00001.
gnomAD v4.1: 2 of 1,613,936 alleles (0.00012%); highest among the groups gnomAD compares: Admixed American, 0.0033%; no homozygotes.

Submission:

Women's Health and Genetics/Laboratory Corporation of America, LabCorp
Classification: Uncertain significance. Last evaluated: 2023-06-23. Review status: criteria provided, single submitter. Criteria: LabCorp Variant Classification Summary - May 2015. Collection method: clinical testing. Allele origin: germline.
Comment: Variant summary: SYNE2 c.1346A>T (p.Asn449Ile) results in a non-conservative amino acid change in the encoded protein sequence. Four of five in-silico tools predict a damaging effect of the variant on protein function. The variant allele was found at a frequency of 4e-06 (i.e., 1 heterozygote) in 249326 control chromosomes (gnomAD v2.1, Exomes dataset). The available data on variant occurrences in the general population are insufficient to allow any conclusion about variant significance. To our knowledge, no occurrence of c.1346A>T in individuals affected with Emery-Dreifuss Muscular Dystrophy 5, Autosomal Dominant and no experimental evidence demonstrating its impact on protein function have been reported. No submitters have cited clinical-significance assessments for this variant to ClinVar after 2014. Based on the evidence outlined above, the variant was classified as uncertain significance.